The following is an entry in ClinVar:

ClinVar aggregate classification (germline): Uncertain significance (1 of 4 stars; one submission).

Conditions:
Emery-Dreifuss muscular dystrophy 5, autosomal dominant (EDMD5). Also called: EMERY-DREIFUSS MUSCULAR DYSTROPHY 5. Identifiers: Orphanet 261, MedGen C2751805, MONDO:0013072, OMIM 612999.

Submission:

Labcorp Genetics (formerly Invitae), Labcorp
Classification: Uncertain significance for Emery-Dreifuss muscular dystrophy 5, autosomal dominant. Last evaluated: 2023-12-11. Review status: criteria provided, single submitter. Criteria: Invitae Variant Classification Sherloc (09022015). Collection method: clinical testing. Allele origin: germline.
Comment: This sequence change replaces aspartic acid, which is acidic and polar, with asparagine, which is neutral and polar, at codon 3156 of the SYNE2 protein (p.Asp3156Asn). This variant is not present in population databases (gnomAD no frequency). This variant has not been reported in the literature in individuals affected with SYNE2-related conditions. ClinVar contains an entry for this variant (Variation ID: 1721981). Algorithms developed to predict the effect of missense changes on protein structure and function output the following: SIFT: "Not Available"; PolyPhen-2: "Probably Damaging"; Align-GVGD: "Not Available". The asparagine amino acid residue is found in multiple mammalian species, which suggests that this missense change does not adversely affect protein function. In summary, the available evidence is currently insufficient to determine the role of this variant in disease. Therefore, it has been classified as a Variant of Uncertain Significance.

NM_182914.3(SYNE2):c.9466G>A (p.Asp3156Asn)

Gene: SYNE2 (spectrin repeat containing nuclear envelope protein 2; plus strand). Cytogenetic location: 14q23.2.
Variant type: single nucleotide variant.
Coding change: c.9466G>A on transcript NM_182914.3 (MANE Select); coding-DNA position 9466, G replaced by A.
Protein change: p.Asp3156Asn; replaces aspartic acid 3156 with asparagine.
Molecular consequence: missense variant.
Genome position (GRCh38, 1-based): chr14:64,053,379, G>A. VCF-style: chr14-64053379-G-A. GRCh37 (hg19) VCF-style: chr14-64520097-G-A.
Other names: c.9466G>A, p.Asp3156Asn (NM_015180.6); short protein forms D3156N.
Identifiers: ClinVar variation 1721981 (VCV001721981.5), dbSNP rs766220397, ClinGen allele CA389979734.